The following is an entry in ClinVar:

NM_001848.3(COL6A1):c.1489G>A (p.Gly497Arg)

Gene: COL6A1 (collagen type VI alpha 1 chain; plus strand). Cytogenetic location: 21q22.3.
Variant type: single nucleotide variant.
Coding change: c.1489G>A on transcript NM_001848.3 (MANE Select); coding-DNA position 1489, G replaced by A.
Protein change: p.Gly497Arg; replaces glycine 497 with arginine.
Molecular consequence: missense variant.
Genome position (GRCh38, 1-based): chr21:45,997,727, G>A. VCF-style: chr21-45997727-G-A. GRCh37 (hg19) VCF-style: chr21-47417641-G-A.
Other names: short protein forms G497R.
Identifiers: ClinVar variation 837510 (VCV000837510.11), dbSNP rs202109302, ClinGen allele CA10070353.

ClinVar aggregate classification (germline): Uncertain significance. Review status: criteria provided, multiple submitters, no conflicts (2 of 4 stars). 2 submissions from 2 submitters: Uncertain significance (2). Last evaluated 2020-01-29.

Conditions:
Bethlem myopathy 1A. Also called: MYOPATHY, BENIGN CONGENITAL, WITH CONTRACTURES; Bethlem Muscular Dystrophy; Bethlem myopathy 1. Identifiers: Orphanet 610, MedGen CN029274, MONDO:0024530, OMIM 158810.

Allele frequency attached by ClinVar (database versions not stated): gnomAD 0.00001; TOPMed 0.00001; gnomAD exomes 0.00002; ExAC 0.00007; 1000 Genomes Project 30x 0.00016; 1000 Genomes Project 0.00020.

Submissions (2):

Labcorp Genetics (formerly Invitae), Labcorp
Classification: Uncertain significance for Bethlem myopathy 1A. Last evaluated: 2020-01-29. Review status: criteria provided, single submitter. Criteria: Invitae Variant Classification Sherloc (09022015). Collection method: clinical testing. Allele origin: germline.
Comment: In summary, the available evidence is currently insufficient to determine the role of this variant in disease. Therefore, it has been classified as a Variant of Uncertain Significance. Algorithms developed to predict the effect of missense changes on protein structure and function (SIFT, PolyPhen-2, Align-GVGD) all suggest that this variant is likely to be disruptive, but these predictions have not been confirmed by published functional studies and their clinical significance is uncertain. Glycine residues within the Gly-Xaa-Yaa repeats of the triple helix domain are required for the structure and stability of fibrillar collagens (PMID: 7695699, 8218237, 19344236). In COL6A1, missense variants at these glycine residues are significantly enriched in individuals with disease (PMID: 15689448, 24038877) compared to the general population (ExAC). This variant has been observed in individual(s) with clinical features of type VI collagenopathy (Invitae). This variant is present in population databases (rs202109302, ExAC 0.01%). This sequence change replaces glycine with arginine at codon 497 of the COL6A1 protein (p.Gly497Arg). The glycine residue is highly conserved and there is a moderate physicochemical difference between glycine and arginine.

Breakthrough Genomics
Classification: Uncertain significance. Review status: criteria provided, single submitter. Criteria: ACMG Guidelines, 2015. Collection method: not provided. Allele origin: germline. Inheritance: Autosomal dominant inheritance. Affected: yes.

Literature cited by the submitters: PubMed 7695699 (cited by Labcorp Genetics (formerly Invitae), Labcorp); PubMed 8218237 (cited by Labcorp Genetics (formerly Invitae), Labcorp); PubMed 19344236 (cited by Labcorp Genetics (formerly Invitae), Labcorp); PubMed 15689448 (cited by Labcorp Genetics (formerly Invitae), Labcorp); PubMed 24038877 (cited by Labcorp Genetics (formerly Invitae), Labcorp).